The following is an entry in ClinVar:

NM_001171613.2(PREPL):c.505C>T (p.Leu169Phe)

Gene: PREPL (prolyl endopeptidase like; minus strand). Cytogenetic location: 2p21.
Variant type: single nucleotide variant.
Coding change: c.505C>T on transcript NM_001171613.2 (MANE Select); coding-DNA position 505, C replaced by T.
Protein change: p.Leu169Phe; replaces leucine 169 with phenylalanine.
Molecular consequence: missense variant.
Genome position (GRCh38, 1-based): chr2:44,339,344, G>A on the plus strand (C>T on the coding strand, the complement: PREPL is on the minus strand). VCF-style: chr2-44339344-G-A. GRCh37 (hg19) VCF-style: chr2-44566483-G-A.
Other names: c.772C>T, p.Leu258Phe (NM_001042385.2, NM_001042386.2, NM_001171603.1 and 4 more transcripts); c.505C>T, p.Leu169Phe (NM_001171617.1, NM_001374277.1); short protein forms L258F, L169F.
Identifiers: ClinVar variation 2198893 (VCV002198893.4), dbSNP rs532684912, ClinGen allele CA346692403.

ClinVar aggregate classification (germline): Uncertain significance (1 of 4 stars; one submission).

Conditions:
Myasthenic syndrome, congenital, 22 (CMS22). Also called: PREPL DEFICIENCY. Identifiers: MedGen C4479088, MONDO:0044299, OMIM 616224.

gnomAD v4.1: 23 of 1,613,756 alleles (0.0014%); highest among the groups gnomAD compares: Non-Finnish European, 0.0018%; no homozygotes.

Submission:

Labcorp Genetics (formerly Invitae), Labcorp
Classification: Uncertain significance for Myasthenic syndrome, congenital, 22. Last evaluated: 2022-07-01. Review status: criteria provided, single submitter. Criteria: Invitae Variant Classification Sherloc (09022015). Collection method: clinical testing. Allele origin: germline.
Comment: In summary, the available evidence is currently insufficient to determine the role of this variant in disease. Therefore, it has been classified as a Variant of Uncertain Significance. Algorithms developed to predict the effect of missense changes on protein structure and function are either unavailable or do not agree on the potential impact of this missense change (SIFT: "Tolerated"; PolyPhen-2: "Possibly Damaging"; Align-GVGD: "Class C0"). This variant has not been reported in the literature in individuals affected with PREPL-related conditions. This variant is present in population databases (no rsID available, gnomAD 0.002%). This sequence change replaces leucine, which is neutral and non-polar, with phenylalanine, which is neutral and non-polar, at codon 258 of the PREPL protein (p.Leu258Phe).